The following is an entry in ClinVar:

NM_001283009.2(RTEL1):c.2981T>C (p.Leu994Pro)

Genes: RTEL1 (regulator of telomere elongation helicase 1; plus strand), RTEL1-TNFRSF6B (RTEL1-TNFRSF6B readthrough (NMD candidate); plus strand). Cytogenetic location: 20q13.33.
Variant type: single nucleotide variant.
Coding change: c.2981T>C on transcript NM_001283009.2 (MANE Select); coding-DNA position 2981, T replaced by C.
Protein change: p.Leu994Pro; replaces leucine 994 with proline.
Molecular consequence: missense variant. On other transcripts: non-coding transcript variant (1).
Genome position (GRCh38, 1-based): chr20:63,693,272, T>C. VCF-style: chr20-63693272-T-C. GRCh37 (hg19) VCF-style: chr20-62324625-T-C.
Other names: c.2312T>C, p.Leu771Pro (NM_001283010.1); c.2981T>C, p.Leu994Pro (NM_016434.4); c.3053T>C, p.Leu1018Pro (NM_032957.5); short protein forms L1018P, L771P, L994P.
Identifiers: ClinVar variation 656216 (VCV000656216.10), dbSNP rs1453207384, ClinGen allele CA409683416.

ClinVar aggregate classification (germline): Uncertain significance. Review status: criteria provided, multiple submitters, no conflicts (2 of 4 stars). 2 submissions from 2 submitters: Uncertain significance (2). Last evaluated 2026-03-06.

Conditions:
Dyskeratosis congenita, autosomal recessive 5 (DKCB5). Identifiers: MedGen C3554656, MONDO:0014076, OMIM 615190.
Pulmonary fibrosis and/or bone marrow failure, Telomere-related, 3. Also called: PULMONARY FIBROSIS AND/OR BONE MARROW FAILURE SYNDROME, TELOMERE-RELATED, 3. Identifiers: Orphanet 2032, MedGen C4225346, MONDO:0014613, OMIM 616373.
Inborn genetic diseases. Identifiers: MedGen C0950123, MeSH D030342.

Submissions (2):

Ambry Genetics
Classification: Uncertain significance for Inborn genetic diseases. Last evaluated: 2026-03-06. Review status: criteria provided, single submitter. Criteria: Ambry Variant Classification Scheme 2023. Collection method: clinical testing. Allele origin: germline.
Comment: The p.L994P variant (also known as c.2981T>C), located in coding exon 29 of the RTEL1 gene, results from a T to C substitution at nucleotide position 2981. The leucine at codon 994 is replaced by proline, an amino acid with similar properties. This amino acid position is conserved. In addition, this alteration is predicted to be tolerated by in silico analysis. Based on the available evidence, the clinical significance of this variant remains unclear.

Labcorp Genetics (formerly Invitae), Labcorp
Classification: Uncertain significance for Dyskeratosis congenita, autosomal recessive 5; Pulmonary fibrosis and/or bone marrow failure, Telomere-related, 3. Last evaluated: 2021-03-18. Review status: criteria provided, single submitter. Criteria: Invitae Variant Classification Sherloc (09022015). Collection method: clinical testing. Allele origin: germline.
Comment: This sequence change replaces leucine with proline at codon 1018 of the RTEL1 protein (p.Leu1018Pro). The leucine residue is weakly conserved and there is a moderate physicochemical difference between leucine and proline. This variant is not present in population databases (ExAC no frequency). This variant has not been reported in the literature in individuals with RTEL1-related disease. Algorithms developed to predict the effect of missense changes on protein structure and function output the following: SIFT: "Tolerated"; PolyPhen-2: "Benign"; Align-GVGD: "Class C0". The proline amino acid residue is found in multiple mammalian species, suggesting that this missense change does not adversely affect protein function. These predictions have not been confirmed by published functional studies and their clinical significance is uncertain. In summary, the available evidence is currently insufficient to determine the role of this variant in disease. Therefore, it has been classified as a Variant of Uncertain Significance.